The following is an entry in ClinVar:

ClinVar aggregate classification (germline): Likely benign (1 of 4 stars; one submission).

Allele frequency attached by ClinVar (database versions not stated): gnomAD 0.02114 and 0.02188; 1000 Genomes Project 0.02256; TOPMed 0.02264; 1000 Genomes Project 30x 0.02436.
gnomAD v4.1: 3,219 of 152,254 alleles (2.1%); highest among the groups gnomAD compares: African/African-American, 4.6%; 64 homozygotes.

Submission:

GeneDx
Classification: Likely benign. Last evaluated: 2018-06-14. Review status: criteria provided, single submitter. Criteria: GeneDx Variant Classification (06012015). Collection method: clinical testing. Allele origin: germline. Affected: yes.
Comment: This variant is considered likely benign or benign based on one or more of the following criteria: it is a conservative change, it occurs at a poorly conserved position in the protein, it is predicted to be benign by multiple in silico algorithms, and/or has population frequency not consistent with disease.

NM_006514.4(SCN10A):c.4281+276G>A

Gene: SCN10A (sodium voltage-gated channel alpha subunit 10; minus strand). Cytogenetic location: 3p22.2.
Variant type: single nucleotide variant.
Coding change: c.4281+276G>A on transcript NM_006514.4 (MANE Select); 276 bases into the intron after coding-DNA position 4281, G replaced by A.
Molecular consequence: intron variant.
Genome position (GRCh38, 1-based): chr3:38,709,202, C>T on the plus strand (G>A on the coding strand, the complement: SCN10A is on the minus strand). VCF-style: chr3-38709202-C-T. GRCh37 (hg19) VCF-style: chr3-38750693-C-T.
Other names: c.3987+276G>A (NM_001293307.2); c.4278+276G>A (NM_001293306.2).
Identifiers: ClinVar variation 683813 (VCV000683813.1), dbSNP rs28535395, ClinGen allele CA72949157.